The following is an entry in ClinVar:

ClinVar aggregate classification (germline): Benign (1 of 4 stars; one submission).

Conditions:
Familial cancer of breast. Also called: Hereditary breast cancer; hereditary breast carcinoma; BREAST CANCER, FAMILIAL. Identifiers: Orphanet 227535, MedGen C0346153, MONDO:0016419, OMIM 114480. Disease mechanism: loss of function.

Submission:

Myriad Genetics, Inc.
Classification: Benign for Familial cancer of breast. Last evaluated: 2025-01-14. Review status: criteria provided, single submitter. Criteria: Myriad Autosomal Dominant, Autosomal Recessive and X-Linked Classification Criteria (2023). Collection method: clinical testing. Allele origin: unknown.
Comment: This variant is considered benign. This variant is a silent/synonymous amino acid change and it is not expected to impact splicing.

NM_024675.4(PALB2):c.1782G>A (p.Arg594=)

Gene: PALB2 (partner and localizer of BRCA2; minus strand). Cytogenetic location: 16p12.2.
Variant type: single nucleotide variant.
Coding change: c.1782G>A on transcript NM_024675.4 (MANE Select); coding-DNA position 1782, G replaced by A.
Protein change: p.Arg594=; no amino-acid change (arginine 594 retained).
Molecular consequence: synonymous variant. On other transcripts: 5 prime UTR variant (2), intron variant (1).
Genome position (GRCh38, 1-based): chr16:23,630,372, C>T on the plus strand (G>A on the coding strand, the complement: PALB2 is on the minus strand). VCF-style: chr16-23630372-C-T. GRCh37 (hg19) VCF-style: chr16-23641693-C-T.
Other names: c.897G>A, p.Arg299= (NM_001407311.1, NM_001407304.1, NM_001407305.1 and 5 more transcripts); c.-7G>A (NM_001407312.1, NM_001407313.1); c.49-1097G>A (NM_001407314.1); c.1722G>A, p.Arg574= (NM_001407296.1); c.1782G>A, p.Arg594= (NM_001407297.1, NM_001407298.1, NM_001407299.1 and 3 more transcripts).
Identifiers: ClinVar variation 3903650 (VCV003903650.1).